The following is an entry in ClinVar:

ClinVar aggregate classification (germline): Uncertain significance. Review status: criteria provided, multiple submitters, no conflicts (2 of 4 stars). 2 submissions from 2 submitters: Uncertain significance (2). Last evaluated 2026-07-14.

Allele frequency attached by ClinVar (database versions not stated): gnomAD exomes below 0.00001.
gnomAD v4.1: 3 of 1,614,126 alleles (0.00019%); highest among the groups gnomAD compares: African/African-American, 0.0013%; no homozygotes.

Submissions (2):

Ambry Genetics
Classification: Uncertain significance. Last evaluated: 2026-07-14. Review status: criteria provided, single submitter. Criteria: Ambry Variant Classification Scheme 2023. Collection method: clinical testing. Allele origin: germline.

Labcorp Genetics (formerly Invitae), Labcorp
Classification: Uncertain significance. Last evaluated: 2024-12-22. Review status: criteria provided, single submitter. Criteria: Invitae Variant Classification Sherloc (09022015). Collection method: clinical testing. Allele origin: germline.
Comment: This sequence change replaces leucine, which is neutral and non-polar, with phenylalanine, which is neutral and non-polar, at codon 131 of the CLCN6 protein (p.Leu131Phe). This variant is not present in population databases (gnomAD no frequency). This variant has not been reported in the literature in individuals affected with CLCN6-related conditions. ClinVar contains an entry for this variant (Variation ID: 2129056). An algorithm developed to predict the effect of missense changes on protein structure and function (PolyPhen-2) suggests that this variant is likely to be disruptive. In summary, the available evidence is currently insufficient to determine the role of this variant in disease. Therefore, it has been classified as a Variant of Uncertain Significance.

NM_001286.5(CLCN6):c.391C>T (p.Leu131Phe)

Gene: CLCN6 (Cl-/H+ antiporter 6; plus strand). Cytogenetic location: 1p36.22.
Variant type: single nucleotide variant.
Coding change: c.391C>T on transcript NM_001286.5 (MANE Select); coding-DNA position 391, C replaced by T.
Protein change: p.Leu131Phe; replaces leucine 131 with phenylalanine.
Molecular consequence: missense variant. On other transcripts: non-coding transcript variant (1).
Genome position (GRCh38, 1-based): chr1:11,822,739, C>T. VCF-style: chr1-11822739-C-T. GRCh37 (hg19) VCF-style: chr1-11882796-C-T.
Other names: c.325C>T, p.Leu109Phe (NM_001256959.2); c.391C>T (NM_001286.2); short protein forms L109F, L131F.
Identifiers: ClinVar variation 2129056 (VCV002129056.7), dbSNP rs909779098, ClinGen allele CA338427272.
Genomic context (GRCh38, chr1:11,822,739, plus strand): 5'-AACCCAGTTTCCGCAGCGGTGGAGGAGTGCAGCCAGAAAGGCTGCCTCGCTCTGTCTCTC[C>T]TTGAACTCCTGGGTTTTAACCTCACCTTTGTCTTCCTGGCAAGCCTCCTTGTTCTCATTG-3'
Protein context (NP_001277.2, residues 121-141): SQKGCLALSL[Leu131Phe]ELLGFNLTFV